The following is an entry in ClinVar:

ClinVar aggregate classification (germline): Uncertain significance (1 of 4 stars; one submission).

Conditions:
Hereditary cancer-predisposing syndrome. Also called: Neoplastic Syndromes, Hereditary; Tumor predisposition; Hereditary neoplastic syndrome; Hereditary Cancer Syndrome. Identifiers: Orphanet 140162, MedGen C0027672, MeSH D009386, MONDO:0015356.

Submission:

Ambry Genetics
Classification: Uncertain significance for Hereditary cancer-predisposing syndrome. Last evaluated: 2026-07-06. Review status: criteria provided, single submitter. Criteria: Ambry Variant Classification Scheme 2023. Collection method: clinical testing. Allele origin: germline.
Comment: The p.D230H variant (also known as c.688G>C), located in coding exon 4 of the RET gene, results from a G to C substitution at nucleotide position 688. The aspartic acid at codon 230 is replaced by histidine, an amino acid with similar properties. This amino acid position is conserved. In addition, this alteration is predicted to be deleterious by in silico analysis. Based on the available evidence, the clinical significance of this variant remains unclear.

NM_020975.6(RET):c.688G>C (p.Asp230His)

Gene: RET (ret proto-oncogene; plus strand). Cytogenetic location: 10q11.21.
Variant type: single nucleotide variant.
Coding change: c.688G>C on transcript NM_020975.6 (MANE Select); coding-DNA position 688, G replaced by C.
Protein change: p.Asp230His; replaces aspartic acid 230 with histidine.
Molecular consequence: missense variant. On other transcripts: intron variant (22), 5 prime UTR variant (1).
Genome position (GRCh38, 1-based): chr10:43,105,014, G>C. VCF-style: chr10-43105014-G-C. GRCh37 (hg19) VCF-style: chr10-43600462-G-C.
Other names: c.400G>C, p.Asp134His (NM_001406767.1, NM_001406770.1, NM_001406766.1); c.559G>C, p.Asp187His (NM_001406768.1, NM_001406774.1, NM_001406761.1 and 2 more transcripts); c.688G>C, p.Asp230His (NM_001406769.1, NM_001406772.1, NM_020630.7 and 6 more transcripts); c.625+2385G>C (NM_001406773.1, NM_001406771.1, NM_001406782.1 and 5 more transcripts); c.496+2385G>C (NM_001406786.1, NM_001406783.1); c.338-4017G>C (NM_001406778.1, NM_001406775.1, NM_001406776.1 and 1 more transcripts); c.-75G>C (NM_001355216.2); c.337+4292G>C (NM_001406790.1, NM_001406788.1, NM_001406789.1 and 1 more transcripts); and 2 more; short protein forms D134H, D187H, D230H.
Identifiers: ClinVar variation 5028169 (VCV005028169.1).